The following is an entry in ClinVar:

Conditions:
Arteriohepatic dysplasia. Also called: Alagille Syndrome. Identifiers: Orphanet 52, MedGen C0085280, MeSH D016738, MONDO:0007318.

Submission:

Gilbert/Spinner Lab, Children's Hospital of Philadelphia
No classification provided (evidence only). Condition: Alagille syndrome. Review status: no classification provided. Collection method: research. Allele origin: not applicable. Functional consequence: functionally_abnormal.
ClinVar note: "not provided" was previously submitted as the classification for the variant. However, the classification appeared to be based only on an observation of functional data so it was converted to no classification on 2025-07-30.

NM_000214.3(JAG1):c.75A>G (p.Arg25=)

Gene: JAG1 (jagged canonical Notch ligand 1; minus strand). Cytogenetic location: 20p12.2.
Variant type: single nucleotide variant.
Coding change: c.75A>G on transcript NM_000214.3 (MANE Select); coding-DNA position 75, A replaced by G.
Protein change: p.Arg25=; no amino-acid change (arginine 25 retained).
Molecular consequence: synonymous variant.
Genome position (GRCh38, 1-based): chr20:10,673,456, T>C on the plus strand (A>G on the coding strand, the complement: JAG1 is on the minus strand). VCF-style: chr20-10673456-T-C. GRCh37 (hg19) VCF-style: chr20-10654104-T-C.
Identifiers: ClinVar variation 3573176 (VCV003573176.2).